The following is an entry in ClinVar:

ClinVar aggregate classification (germline): Uncertain significance (1 of 4 stars; one submission).

Conditions:
CACNA1A-related disorder. Also called: CACNA1A-related condition.

gnomAD v4.1: 1 of 1,395,832 alleles (0.000072%); highest among the groups gnomAD compares: Non-Finnish European, 0.000093%; no homozygotes.

Submission:

PreventionGenetics, part of Exact Sciences
Classification: Uncertain significance for CACNA1A-related condition. Last evaluated: 2025-08-03. Review status: criteria provided, single submitter. Criteria: ACMG Guidelines, 2015. Collection method: clinical testing. Allele origin: germline.
Comment: The CACNA1A c.6463C>G variant is predicted to result in the amino acid substitution p.Arg2155Gly. To our knowledge, this variant has not been reported in the literature or in a large population database (gnomAD), indicating this variant is rare. At this time, the clinical significance of this variant is uncertain due to the absence of conclusive functional and genetic evidence.

NM_001127222.2(CACNA1A):c.6463C>G (p.Arg2155Gly)

Gene: CACNA1A (calcium voltage-gated channel subunit alpha1 A; minus strand). Cytogenetic location: 19p13.13.
Variant type: single nucleotide variant.
Coding change: c.6463C>G on transcript NM_001127222.2 (MANE Select); coding-DNA position 6463, C replaced by G.
Protein change: p.Arg2155Gly; replaces arginine 2155 with glycine.
Molecular consequence: missense variant.
Genome position (GRCh38, 1-based): chr19:13,209,375, G>C on the plus strand (C>G on the coding strand, the complement: CACNA1A is on the minus strand). VCF-style: chr19-13209375-G-C. GRCh37 (hg19) VCF-style: chr19-13320189-G-C.
Other names: c.6481C>G, p.Arg2161Gly (NM_000068.4, NM_023035.3); c.6466C>G, p.Arg2156Gly (NM_001127221.2); c.6472C>G, p.Arg2158Gly (NM_001174080.2); short protein forms R2155G, R2158G, R2156G, R2161G.
Identifiers: ClinVar variation 5000622 (VCV005000622.1).